The following is an entry in ClinVar:

ClinVar aggregate classification (germline): Uncertain significance (1 of 4 stars; one submission).

gnomAD v4.1: 1 of 1,614,110 alleles (0.000062%); highest among the groups gnomAD compares: East Asian, 0.0022%; no homozygotes.

Submission:

GeneDx
Classification: Uncertain significance. Last evaluated: 2025-07-31. Review status: criteria provided, single submitter. Criteria: GeneDx Variant Classification Process June 2021. Collection method: clinical testing. Allele origin: germline. Affected: yes.
Comment: Not observed at significant frequency in large population cohorts (gnomAD); In silico analysis supports a deleterious effect on splicing; In silico analysis suggests that this missense variant does not alter protein structure/function; Has not been previously published as pathogenic or benign to our knowledge

NM_001378183.1(PIEZO2):c.7891A>G (p.Ile2631Val)

Gene: PIEZO2 (piezo type mechanosensitive ion channel component 2; minus strand). Cytogenetic location: 18p11.22.
Variant type: single nucleotide variant.
Coding change: c.7891A>G on transcript NM_001378183.1 (MANE Select); coding-DNA position 7891, A replaced by G.
Protein change: p.Ile2631Val; replaces isoleucine 2631 with valine.
Molecular consequence: missense variant.
Genome position (GRCh38, 1-based): chr18:10,680,260, T>C on the plus strand (A>G on the coding strand, the complement: PIEZO2 is on the minus strand). VCF-style: chr18-10680260-T-C. GRCh37 (hg19) VCF-style: chr18-10680257-T-C.
Other names: c.7627A>G, p.Ile2543Val (NM_001410871.1); c.7552A>G, p.Ile2518Val (NM_022068.4); short protein forms I2518V, I2543V, I2631V.
Identifiers: ClinVar variation 4690173 (VCV004690173.1).
Genomic context (GRCh38, chr18:10,680,260, plus strand): 5'-TCTGAATACTCCATGAAAAAACAACAGAGAAGCTACTATTGGGGTCCAGGAGTTCGTGTA[T>C]CATTTTCTGCTTACTGGGTGGGCTGATGGTCCACAAAGAATTTGAGTTTCCTTCCAGTTC-3'
Protein context (NP_001365112.1, residues 2621-2641): TISPPSKQKM[Ile2631Val]HELLDPNSSF